The following is an entry in ClinVar:

NM_006017.3(PROM1):c.953G>A (p.Ser318Asn)

Gene: PROM1 (prominin 1; minus strand). Cytogenetic location: 4p15.32.
Variant type: single nucleotide variant.
Coding change: c.953G>A on transcript NM_006017.3 (MANE Select); coding-DNA position 953, G replaced by A.
Protein change: p.Ser318Asn; replaces serine 318 with asparagine.
Molecular consequence: missense variant.
Genome position (GRCh38, 1-based): chr4:16,018,372, C>T on the plus strand (G>A on the coding strand, the complement: PROM1 is on the minus strand). VCF-style: chr4-16018372-C-T. GRCh37 (hg19) VCF-style: chr4-16019995-C-T.
Other names: c.926G>A, p.Ser309Asn (NM_001145847.2, NM_001145848.2, NM_001145851.2 and 4 more transcripts); c.953G>A, p.Ser318Asn (NM_001145849.2, NM_001145850.2); short protein forms S309N, S318N.
Identifiers: ClinVar variation 3609466 (VCV003609466.2).

ClinVar aggregate classification (germline): Uncertain significance (1 of 4 stars; one submission).

gnomAD v4.1: 8 of 1,613,594 alleles (0.0005%); highest among the groups gnomAD compares: Middle Eastern, 0.017%; no homozygotes.

Submission:

Labcorp Genetics (formerly Invitae), Labcorp
Classification: Uncertain significance. Last evaluated: 2025-02-03. Review status: criteria provided, single submitter. Criteria: Invitae Variant Classification Sherloc (09022015). Collection method: clinical testing. Allele origin: germline.
Comment: This sequence change replaces serine, which is neutral and polar, with asparagine, which is neutral and polar, at codon 318 of the PROM1 protein (p.Ser318Asn). This variant is present in population databases (no rsID available, gnomAD 0.003%). This variant has not been reported in the literature in individuals affected with PROM1-related conditions. Invitae Evidence Modeling of protein sequence and biophysical properties (such as structural, functional, and spatial information, amino acid conservation, physicochemical variation, residue mobility, and thermodynamic stability) indicates that this missense variant is not expected to disrupt PROM1 protein function with a negative predictive value of 80%. In summary, the available evidence is currently insufficient to determine the role of this variant in disease. Therefore, it has been classified as a Variant of Uncertain Significance.